The following is an entry in ClinVar:

ClinVar aggregate classification (germline): Uncertain significance. Review status: criteria provided, multiple submitters, no conflicts (2 of 4 stars). 2 submissions from 2 submitters: Uncertain significance (2). Last evaluated 2021-06-16.

Conditions:
Autosomal recessive nonsyndromic hearing loss 22. Identifiers: Orphanet 90636, MedGen C1846896, MONDO:0011762, OMIM 607039.

Allele frequency attached by ClinVar (database versions not stated): gnomAD exomes below 0.00001 and 0.00001; TOPMed below 0.00001; ExAC 0.00001.
gnomAD v4.1: 9 of 1,614,086 alleles (0.00056%); highest among the groups gnomAD compares: Middle Eastern, 0.033%; no homozygotes.

Submissions (2):

GeneDx
Classification: Uncertain significance. Last evaluated: 2021-06-16. Review status: criteria provided, single submitter. Criteria: GeneDx Variant Classification Process June 2021. Collection method: clinical testing. Allele origin: germline. Affected: yes.
Comment: Not observed at significant frequency in large population cohorts (Lek et al., 2016); In silico analysis supports that this missense variant does not alter protein structure/function; Has not been previously published as pathogenic or benign to our knowledge; This variant is associated with the following publications: (PMID: 27535533)

Genomic Research Center, Shahid Beheshti University of Medical Sciences
Classification: Uncertain significance for Deafness, autosomal recessive 22. Last evaluated: 2019-04-27. Review status: criteria provided, single submitter. Criteria: ACMG Guidelines, 2015. Collection method: clinical testing. Allele origin: unknown. Affected: no.

NM_144672.4(OTOA):c.1820C>T (p.Ala607Val)

Gene: OTOA (otoancorin). Cytogenetic location: 16p12.2.
Variant type: single nucleotide variant.
Coding change: c.1820C>T on transcript NM_144672.4 (MANE Select); coding-DNA position 1820, C replaced by T.
Protein change: p.Ala607Val; replaces alanine 607 with valine.
Molecular consequence: missense variant.
Genome position (GRCh38, 1-based): chr16:21,722,918, C>T. VCF-style: chr16-21722918-C-T. GRCh37 (hg19) VCF-style: chr16-21734239-C-T.
Other names: c.1583C>T, p.Ala528Val (NM_001161683.2); c.848C>T, p.Ala283Val (NM_170664.3); c.1820C>T (NM_144672.3); short protein forms A607V, A283V, A528V.
Identifiers: ClinVar variation 638328 (VCV000638328.5), dbSNP rs764347046, ClinGen allele CA7952817.